The following is an entry in ClinVar:

ClinVar aggregate classification (germline): Likely benign. Review status: criteria provided, multiple submitters, no conflicts (2 of 4 stars). 4 submissions from 4 submitters: Likely benign (4). Last evaluated 2025-12-26.

Conditions:
Inborn genetic diseases. Identifiers: MedGen C0950123, MeSH D030342.
Neuronopathy, distal hereditary motor, autosomal recessive 4. Also called: Autosomal recessive lower motor neuron disease with childhood onset; NEUROPATHY, DISTAL HEREDITARY MOTOR, AUTOSOMAL RECESSIVE 4. Identifiers: Orphanet 206580, MedGen C1970211, MONDO:0012608, OMIM 611067.
Charcot-Marie-Tooth disease recessive intermediate C. Also called: CHARCOT-MARIE-TOOTH NEUROPATHY, RECESSIVE INTERMEDIATE C. Identifiers: Orphanet 369867, MedGen C3809309, MONDO:0014154, OMIM 615376.

Allele frequency attached by ClinVar (database versions not stated): ExAC 0.00003; TOPMed 0.00003; gnomAD 0.00004; gnomAD exomes 0.00005; ESP Exome Variant Server 0.00008.
gnomAD v4.1: 108 of 1,613,206 alleles (0.0067%); highest among the groups gnomAD compares: Non-Finnish European, 0.0082%; no homozygotes.

Submissions (4):

Labcorp Genetics (formerly Invitae), Labcorp
Classification: Likely benign for Neuronopathy, distal hereditary motor, autosomal recessive 4; Charcot-Marie-Tooth disease recessive intermediate C. Last evaluated: 2025-12-26. Review status: criteria provided, single submitter. Criteria: Invitae Variant Classification Sherloc (09022015). Collection method: clinical testing. Allele origin: germline.

Ambry Genetics
Classification: Likely benign for Inborn genetic diseases. Last evaluated: 2019-07-11. Review status: criteria provided, single submitter. Criteria: Ambry Variant Classification Scheme 2023. Collection method: clinical testing. Allele origin: germline.

GeneDx
Classification: Likely benign. Last evaluated: 2016-11-16. Review status: criteria provided, single submitter. Criteria: GeneDx Variant Classification (06012015). Collection method: clinical testing. Allele origin: germline. Affected: yes.
Comment: This variant is considered likely benign or benign based on one or more of the following criteria: it is a conservative change, it occurs at a poorly conserved position in the protein, it is predicted to be benign by multiple in silico algorithms, and/or has population frequency not consistent with disease.

Breakthrough Genomics
Classification: Likely benign. Review status: criteria provided, single submitter. Criteria: ACMG Guidelines, 2015. Collection method: not provided. Allele origin: germline. Inheritance: Autosomal recessive inheritance. Affected: yes.

NM_020631.6(PLEKHG5):c.2226C>T (p.Ser742=)

Gene: PLEKHG5 (pleckstrin homology and RhoGEF domain containing G5; minus strand). Cytogenetic location: 1p36.31.
Variant type: single nucleotide variant.
Coding change: c.2226C>T on transcript NM_020631.6 (MANE Select); coding-DNA position 2226, C replaced by T.
Protein change: p.Ser742=; no amino-acid change (serine 742 retained).
Molecular consequence: synonymous variant.
Genome position (GRCh38, 1-based): chr1:6,469,065, G>A on the plus strand (C>T on the coding strand, the complement: PLEKHG5 is on the minus strand). VCF-style: chr1-6469065-G-A. GRCh37 (hg19) VCF-style: chr1-6529125-G-A.
Other names: c.2337C>T, p.Ser779= (NM_001042663.3, NM_001265592.2); c.2226C>T, p.Ser742= (NM_001042664.2, NM_001042665.2, NM_001265594.3 and 1 more transcripts); c.2433C>T, p.Ser811= (NM_001265593.2).
Identifiers: ClinVar variation 391000 (VCV000391000.16), dbSNP rs370761668, ClinGen allele CA561216.